The following is an entry in ClinVar:

NM_001174084.2(POLL):c.1471A>G (p.Ile491Val)

Gene: POLL (DNA polymerase lambda; minus strand). Cytogenetic location: 10q24.32.
Variant type: single nucleotide variant.
Coding change: c.1471A>G on transcript NM_001174084.2 (MANE Select); coding-DNA position 1471, A replaced by G.
Protein change: p.Ile491Val; replaces isoleucine 491 with valine.
Molecular consequence: missense variant. On other transcripts: non-coding transcript variant (1).
Genome position (GRCh38, 1-based): chr10:101,579,710, T>C on the plus strand (A>G on the coding strand, the complement: POLL is on the minus strand). VCF-style: chr10-101579710-T-C. GRCh37 (hg19) VCF-style: chr10-103339467-T-C.
Other names: c.1195A>G, p.Ile399Val (NM_001174085.2); c.646A>G, p.Ile216Val (NM_001308382.2); c.1471A>G, p.Ile491Val (NM_013274.4); short protein forms I216V, I399V, I491V.
Identifiers: ClinVar variation 3041609 (VCV003041609.2), dbSNP rs138242344, ClinGen allele CA5656379.

ClinVar aggregate classification (germline): Likely benign (0 of 4 stars; one submission).

Conditions:
POLL-related disorder. Also called: POLL-related condition.

Allele frequency attached by ClinVar (database versions not stated): gnomAD exomes 0.00011; ExAC 0.00032; gnomAD 0.00102; ESP Exome Variant Server 0.00108; TOPMed 0.00117; 1000 Genomes Project 0.00120; 1000 Genomes Project 30x 0.00125.
gnomAD v4.1: 317 of 1,613,750 alleles (0.02%); highest among the groups gnomAD compares: African/African-American, 0.39%; 2 homozygotes.

Submission:

PreventionGenetics, part of Exact Sciences
Classification: Likely benign for POLL-related condition. Last evaluated: 2023-07-30. Review status: no assertion criteria provided. Collection method: clinical testing. Allele origin: germline.
Comment: This variant is classified as likely benign based on ACMG/AMP sequence variant interpretation guidelines (Richards et al. 2015 PMID: 25741868, with internal and published modifications).